The following is an entry in ClinVar:

ClinVar aggregate classification (germline): Likely benign (0 of 4 stars; one submission).

Conditions:
SEMA3D-related disorder. Also called: SEMA3D-related condition.

Allele frequency attached by ClinVar (database versions not stated): ExAC 0.00001; gnomAD 0.00003; TOPMed 0.00003; gnomAD exomes 0.00004.
gnomAD v4.1: 67 of 1,613,508 alleles (0.0042%); highest among the groups gnomAD compares: Non-Finnish European, 0.0051%; no homozygotes.

Submission:

PreventionGenetics, part of Exact Sciences
Classification: Likely benign for SEMA3D-related condition. Last evaluated: 2023-02-21. Review status: no assertion criteria provided. Collection method: clinical testing. Allele origin: germline.
Comment: This variant is classified as likely benign based on ACMG/AMP sequence variant interpretation guidelines (Richards et al. 2015 PMID: 25741868, with internal and published modifications).

NM_001384900.1(SEMA3D):c.922C>T (p.Leu308=)

Gene: SEMA3D (semaphorin 3D; minus strand). Cytogenetic location: 7q21.11.
Variant type: single nucleotide variant.
Coding change: c.922C>T on transcript NM_001384900.1 (MANE Select); coding-DNA position 922, C replaced by T.
Protein change: p.Leu308=; no amino-acid change (leucine 308 retained).
Molecular consequence: synonymous variant.
Genome position (GRCh38, 1-based): chr7:85,042,225, G>A on the plus strand (C>T on the coding strand, the complement: SEMA3D is on the minus strand). VCF-style: chr7-85042225-G-A. GRCh37 (hg19) VCF-style: chr7-84671541-G-A.
Other names: c.922C>T, p.Leu308= (NM_001384901.1, NM_001384902.1, NM_001384903.1 and 1 more transcripts).
Identifiers: ClinVar variation 3054960 (VCV003054960.2), dbSNP rs762164263, ClinGen allele CA4323585.
Genomic context (GRCh38, chr7:85,042,225, plus strand): 5'-ACTTACGAAGCTCATCAAAGTAAGTATCTGCCCCATCACTTCCAGGAATTGAGCAAATCA[G>A]TCTGGCCTTAAGAAAAGTCGTCCACTTGTTTATCAGGCTGCGTTGTCCTCCTACATCATT-3'
Protein context (NP_001371829.1, residues 298-318): NKWTTFLKAR[Leu308=]ICSIPGSDGA